The following is an entry in ClinVar:

NM_003105.6(SORL1):c.1561T>C (p.Tyr521His)

Gene: SORL1 (sortilin related receptor 1; plus strand). Cytogenetic location: 11q24.1.
Variant type: single nucleotide variant.
Coding change: c.1561T>C on transcript NM_003105.6 (MANE Select); coding-DNA position 1561, T replaced by C.
Protein change: p.Tyr521His; replaces tyrosine 521 with histidine.
Molecular consequence: missense variant.
Genome position (GRCh38, 1-based): chr11:121,522,954, T>C. VCF-style: chr11-121522954-T-C. GRCh37 (hg19) VCF-style: chr11-121393663-T-C.
Other names: short protein forms Y521H.
Identifiers: ClinVar variation 2039986 (VCV002039986.4), dbSNP rs2496832464, ClinGen allele CA383025309.

ClinVar aggregate classification (germline): Uncertain significance (1 of 4 stars; one submission).

Submission:

Labcorp Genetics (formerly Invitae), Labcorp
Classification: Uncertain significance. Last evaluated: 2021-12-11. Review status: criteria provided, single submitter. Criteria: Invitae Variant Classification Sherloc (09022015). Collection method: clinical testing. Allele origin: germline.
Comment: This sequence change replaces tyrosine, which is neutral and polar, with histidine, which is basic and polar, at codon 521 of the SORL1 protein (p.Tyr521His). In summary, the available evidence is currently insufficient to determine the role of this variant in disease. Therefore, it has been classified as a Variant of Uncertain Significance. Algorithms developed to predict the effect of missense changes on protein structure and function (SIFT, PolyPhen-2, Align-GVGD) all suggest that this variant is likely to be disruptive. This variant has not been reported in the literature in individuals affected with SORL1-related conditions. This variant is not present in population databases (gnomAD no frequency).